The following is an entry in ClinVar:

ClinVar aggregate classification (germline): Uncertain significance (1 of 4 stars; one submission).

Conditions:
Hereditary cancer-predisposing syndrome. Also called: Neoplastic Syndromes, Hereditary; Tumor predisposition; Hereditary neoplastic syndrome; Hereditary Cancer Syndrome. Identifiers: Orphanet 140162, MedGen C0027672, MeSH D009386, MONDO:0015356.

Submission:

Ambry Genetics
Classification: Uncertain significance for Hereditary cancer-predisposing syndrome. Last evaluated: 2026-07-07. Review status: criteria provided, single submitter. Criteria: Ambry Variant Classification Scheme 2023. Collection method: clinical testing. Allele origin: germline.
Comment: The p.Y86H variant (also known as c.256T>C), located in coding exon 4 of the MAX gene, results from a T to C substitution at nucleotide position 256. The tyrosine at codon 86 is replaced by histidine, an amino acid with similar properties. This amino acid position is conserved. In addition, this alteration is predicted to be tolerated by in silico analysis. Based on the available evidence, the clinical significance of this variant remains unclear.

NM_002382.5(MAX):c.172-6179T>C

Gene: MAX (MYC associated transcriptional regulator X; minus strand). Cytogenetic location: 14q23.3.
Variant type: single nucleotide variant.
Coding change: c.172-6179T>C on transcript NM_002382.5 (MANE Select); 6179 bases into the intron before coding-DNA position 172, T replaced by C.
Molecular consequence: intron variant. On other transcripts: missense variant (3), 3 prime UTR variant (1), non-coding transcript variant (4).
Genome position (GRCh38, 1-based): chr14:65,084,215, A>G on the plus strand (T>C on the coding strand, the complement: MAX is on the minus strand). VCF-style: chr14-65084215-A-G. GRCh37 (hg19) VCF-style: chr14-65550933-A-G.
Other names: c.229T>C, p.Tyr77His (NM_001271068.2, NM_001407113.1); c.*30T>C (NM_001407114.1); c.256T>C, p.Tyr86His (NM_145114.3); c.144+9493T>C (NM_001271069.2); c.171+9493T>C (NM_197957.4); c.-196-6179T>C (NM_001407112.1, NM_001407111.1); c.-103-6179T>C (NM_001407106.1, NM_001407107.1, NM_001320415.2 and 1 more transcripts); c.145-6179T>C (NM_001407095.1, NM_001407110.1, NM_001407102.1 and 6 more transcripts); and 2 more; short protein forms Y77H, Y86H.
Identifiers: ClinVar variation 5023974 (VCV005023974.1).